The following is an entry in ClinVar:

NM_001903.5(CTNNA1):c.70G>A (p.Ala24Thr)

Gene: CTNNA1 (catenin alpha 1; plus strand). Cytogenetic location: 5q31.2.
Variant type: single nucleotide variant.
Coding change: c.70G>A on transcript NM_001903.5 (MANE Select); coding-DNA position 70, G replaced by A.
Protein change: p.Ala24Thr; replaces alanine 24 with threonine.
Molecular consequence: missense variant. On other transcripts: 5 prime UTR variant (2).
Genome position (GRCh38, 1-based): chr5:138,781,994, G>A. VCF-style: chr5-138781994-G-A. GRCh37 (hg19) VCF-style: chr5-138117683-G-A.
Other names: c.70G>A, p.Ala24Thr (NM_001290307.3, NM_001323982.2, NM_001323983.1 and 3 more transcripts); c.-44G>A (NM_001290309.3); c.-137G>A (NM_001290310.3); short protein forms A24T.
Identifiers: ClinVar variation 4844455 (VCV004844455.1).

ClinVar aggregate classification (germline): Uncertain significance (1 of 4 stars; one submission).

Conditions:
Hereditary cancer-predisposing syndrome. Also called: Neoplastic Syndromes, Hereditary; Tumor predisposition; Hereditary Cancer Syndrome; Hereditary neoplastic syndrome. Identifiers: Orphanet 140162, MedGen C0027672, MeSH D009386, MONDO:0015356.

Submission:

Ambry Genetics
Classification: Uncertain significance for Hereditary cancer-predisposing syndrome. Last evaluated: 2026-02-17. Review status: criteria provided, single submitter. Criteria: Ambry Variant Classification Scheme 2023. Collection method: clinical testing. Allele origin: germline.
Comment: The p.A24T variant (also known as c.70G>A), located in coding exon 1 of the CTNNA1 gene, results from a G to A substitution at nucleotide position 70. The alanine at codon 24 is replaced by threonine, an amino acid with similar properties. This amino acid position is conserved. In addition, this alteration is predicted to be tolerated by in silico analysis. Based on the available evidence, the clinical significance of this variant remains unclear.